The following is an entry in ClinVar:

ClinVar aggregate classification (germline): Uncertain significance (1 of 4 stars; one submission).

Conditions:
Gorlin syndrome. Also called: Nevoid Basal Cell Carcinoma Syndrome; Basal cell nevus syndrome. Identifiers: Orphanet 377, MedGen C0004779, MONDO:0007187.

Submission:

Labcorp Genetics (formerly Invitae), Labcorp
Classification: Uncertain significance for Gorlin syndrome. Last evaluated: 2025-03-18. Review status: criteria provided, single submitter. Criteria: Invitae Variant Classification Sherloc (09022015). Collection method: clinical testing. Allele origin: germline.
Comment: This sequence change replaces arginine, which is basic and polar, with serine, which is neutral and polar, at codon 332 of the PTCH1 protein (p.Arg332Ser). This variant is not present in population databases (gnomAD no frequency). This variant has not been reported in the literature in individuals affected with PTCH1-related conditions. Invitae Evidence Modeling of protein sequence and biophysical properties (such as structural, functional, and spatial information, amino acid conservation, physicochemical variation, residue mobility, and thermodynamic stability) indicates that this missense variant is not expected to disrupt PTCH1 protein function with a negative predictive value of 95%. In summary, the available evidence is currently insufficient to determine the role of this variant in disease. Therefore, it has been classified as a Variant of Uncertain Significance.

NM_000264.5(PTCH1):c.996A>T (p.Arg332Ser)

Gene: PTCH1 (patched 1; minus strand). Cytogenetic location: 9q22.32.
Variant type: single nucleotide variant.
Coding change: c.996A>T on transcript NM_000264.5 (MANE Select); coding-DNA position 996, A replaced by T.
Protein change: p.Arg332Ser; replaces arginine 332 with serine.
Molecular consequence: missense variant. On other transcripts: non-coding transcript variant (1).
Genome position (GRCh38, 1-based): chr9:95,480,040, T>A on the plus strand (A>T on the coding strand, the complement: PTCH1 is on the minus strand). VCF-style: chr9-95480040-T-A. GRCh37 (hg19) VCF-style: chr9-98242322-T-A.
Other names: c.798A>T, p.Arg266Ser (NM_001083602.3); c.993A>T, p.Arg331Ser (NM_001083603.3); c.543A>T, p.Arg181Ser (NM_001083604.3, NM_001083605.3, NM_001083606.3 and 1 more transcripts); c.996A>T, p.Arg332Ser (NM_001354918.2); short protein forms R181S, R266S, R331S, R332S.
Identifiers: ClinVar variation 4801805 (VCV004801805.1).